The following is an entry in ClinVar:

ClinVar aggregate classification (germline): Benign/Likely benign. Review status: criteria provided, multiple submitters, no conflicts (2 of 4 stars). 3 submissions from 3 submitters: Benign (1); Likely benign (1). 1 of the submissions does not count toward it. Last evaluated 2025-05-28.

Conditions:
TSC2-related disorder. Also called: TSC2-related condition; TSC2-Related Disorders.
Tuberous sclerosis 2 (TSC2). Identifiers: Orphanet 805, MedGen C1860707, MONDO:0013199, OMIM 613254.

Allele frequency attached by ClinVar (database versions not stated): gnomAD exomes below 0.00001.
gnomAD v4.1: 2 of 1,611,312 alleles (0.00012%); highest among the groups gnomAD compares: Non-Finnish European, 0.000085%; no homozygotes.

Submissions (3):

Myriad Genetics, Inc.
Classification: Benign for Tuberous sclerosis 2. Last evaluated: 2025-05-28. Review status: criteria provided, single submitter. Criteria: Myriad Autosomal Dominant, Autosomal Recessive and X-Linked Classification Criteria (2023). Collection method: clinical testing. Allele origin: unknown.
Comment: This variant is considered benign. This variant is a silent/synonymous amino acid change and it is not expected to impact splicing.

Labcorp Genetics (formerly Invitae), Labcorp
Classification: Likely benign for Tuberous sclerosis 2. Last evaluated: 2024-10-24. Review status: criteria provided, single submitter. Criteria: Invitae Variant Classification Sherloc (09022015). Collection method: clinical testing. Allele origin: germline.

PreventionGenetics, part of Exact Sciences
Classification: Likely benign for TSC2-related condition. Last evaluated: 2023-11-28. Review status: no assertion criteria provided. Collection method: clinical testing. Allele origin: germline. Not counted in ClinVar's aggregate classification.
Comment: This variant is classified as likely benign based on ACMG/AMP sequence variant interpretation guidelines (Richards et al. 2015 PMID: 25741868, with internal and published modifications).

NM_000548.5(TSC2):c.3339G>A (p.Glu1113=)

Gene: TSC2 (TSC complex subunit 2; plus strand). Cytogenetic location: 16p13.3.
Variant type: single nucleotide variant.
Coding change: c.3339G>A on transcript NM_000548.5 (MANE Select); coding-DNA position 3339, G replaced by A.
Protein change: p.Glu1113=; no amino-acid change (glutamic acid 1113 retained).
Molecular consequence: synonymous variant.
Genome position (GRCh38, 1-based): chr16:2,079,611, G>A. VCF-style: chr16-2079611-G-A. GRCh37 (hg19) VCF-style: chr16-2129612-G-A.
Other names: c.3207G>A, p.Glu1069= (NM_001077183.3, NM_001370404.1); c.3339G>A, p.Glu1113= (NM_001114382.3); c.3099G>A, p.Glu1033= (NM_001318827.2); c.3063G>A, p.Glu1021= (NM_001318829.2); c.2607G>A, p.Glu869= (NM_001318831.2); c.3240G>A, p.Glu1080= (NM_001318832.2); c.3210G>A, p.Glu1070= (NM_001363528.2, NM_001370405.1, NM_021055.3); c.3339G>A (NM_000548.4).
Identifiers: ClinVar variation 413656 (VCV000413656.15), dbSNP rs1060504092, ClinGen allele CA16615113.